The following is an entry in ClinVar:

NM_001692.4(ATP6V1B1):c.319G>T (p.Glu107Ter)

Gene: ATP6V1B1 (ATPase H+ transporting V1 subunit B1; plus strand). Cytogenetic location: 2p13.3.
Variant type: single nucleotide variant.
Coding change: c.319G>T on transcript NM_001692.4 (MANE Select); coding-DNA position 319, G replaced by T.
Protein change: p.Glu107Ter; replaces glutamic acid 107 with a stop codon.
Molecular consequence: nonsense.
Genome position (GRCh38, 1-based): chr2:70,958,378, G>T. VCF-style: chr2-70958378-G-T. GRCh37 (hg19) VCF-style: chr2-71185508-G-T.
Other names: short protein forms E107*.
Identifiers: ClinVar variation 2751688 (VCV002751688.3), dbSNP rs370511629, ClinGen allele CA347181119.

ClinVar aggregate classification (germline): Pathogenic (1 of 4 stars; one submission).

Submission:

Labcorp Genetics (formerly Invitae), Labcorp
Classification: Pathogenic. Last evaluated: 2023-08-10. Review status: criteria provided, single submitter. Criteria: Invitae Variant Classification Sherloc (09022015). Collection method: clinical testing. Allele origin: germline.
Comment: For these reasons, this variant has been classified as Pathogenic. This variant has not been reported in the literature in individuals affected with ATP6V1B1-related conditions. This variant is not present in population databases (gnomAD no frequency). This sequence change creates a premature translational stop signal (p.Glu107*) in the ATP6V1B1 gene. It is expected to result in an absent or disrupted protein product. Loss-of-function variants in ATP6V1B1 are known to be pathogenic (PMID: 9916796, 18368028).

Literature cited by the submitters: PubMed 9916796; PubMed 18368028.